The following is an entry in ClinVar:

NM_002497.4(NEK2):c.1333C>T (p.Arg445Cys)

Gene: NEK2 (NIMA related kinase 2; minus strand). Cytogenetic location: 1q32.3.
Variant type: single nucleotide variant.
Coding change: c.1333C>T on transcript NM_002497.4 (MANE Select); coding-DNA position 1333, C replaced by T.
Protein change: p.Arg445Cys; replaces arginine 445 with cysteine.
Molecular consequence: missense variant. On other transcripts: intron variant (1).
Genome position (GRCh38, 1-based): chr1:211,663,431, G>A on the plus strand (C>T on the coding strand, the complement: NEK2 is on the minus strand). VCF-style: chr1-211663431-G-A. GRCh37 (hg19) VCF-style: chr1-211836773-G-A.
Other names: c.1333C>T (NM_002497.3); c.1111+3675C>T (NM_001204182.2); short protein forms R445C.
Identifiers: ClinVar variation 3619249 (VCV003619249.3).

ClinVar aggregate classification (germline): Uncertain significance. Review status: criteria provided, multiple submitters, no conflicts (2 of 4 stars). 2 submissions from 2 submitters: Uncertain significance (2). Last evaluated 2025-04-03.

gnomAD v4.1: 5 of 1,610,500 alleles (0.00031%); highest among the groups gnomAD compares: Admixed American, 0.0033%; no homozygotes.

Submissions (2):

Ambry Genetics
Classification: Uncertain significance. Last evaluated: 2025-04-03. Review status: criteria provided, single submitter. Criteria: Ambry Variant Classification Scheme 2023. Collection method: clinical testing. Allele origin: germline.

Labcorp Genetics (formerly Invitae), Labcorp
Classification: Uncertain significance. Last evaluated: 2024-06-06. Review status: criteria provided, single submitter. Criteria: Invitae Variant Classification Sherloc (09022015). Collection method: clinical testing. Allele origin: germline.
Comment: This sequence change replaces arginine, which is basic and polar, with cysteine, which is neutral and slightly polar, at codon 445 of the NEK2 protein (p.Arg445Cys). The frequency data for this variant in the population databases is considered unreliable, as metrics indicate poor data quality at this position in the gnomAD database. This variant has not been reported in the literature in individuals affected with NEK2-related conditions. An algorithm developed to predict the effect of missense changes on protein structure and function (PolyPhen-2) suggests that this variant is likely to be disruptive. In summary, the available evidence is currently insufficient to determine the role of this variant in disease. Therefore, it has been classified as a Variant of Uncertain Significance.